The following is an entry in ClinVar:

ClinVar aggregate classification (germline): Likely pathogenic (1 of 4 stars; one submission).

Conditions:
Multiple congenital anomalies-hypotonia-seizures syndrome 1 (MCAHS1). Also called: PIGN-CDG; Congenital disorder of glycosylation due to PIGN deficiency; GLYCOSYLPHOSPHATIDYLINOSITOL BIOSYNTHESIS DEFECT 3. Identifiers: Orphanet 280633, MedGen C3279775, MONDO:0013563, OMIM 614080.

Submission:

Labcorp Genetics (formerly Invitae), Labcorp
Classification: Likely pathogenic for Multiple congenital anomalies-hypotonia-seizures syndrome 1. Last evaluated: 2023-09-21. Review status: criteria provided, single submitter. Criteria: Invitae Variant Classification Sherloc (09022015). Collection method: clinical testing. Allele origin: germline.
Comment: In summary, the currently available evidence indicates that the variant is pathogenic, but additional data are needed to prove that conclusively. Therefore, this variant has been classified as Likely Pathogenic. Algorithms developed to predict the effect of sequence changes on RNA splicing suggest that this variant may disrupt the consensus splice site. This variant has not been reported in the literature in individuals affected with PIGN-related conditions. This variant is not present in population databases (gnomAD no frequency). This sequence change affects an acceptor splice site in intron 26 of the PIGN gene. It is expected to disrupt RNA splicing. Variants that disrupt the donor or acceptor splice site typically lead to a loss of protein function (PMID: 16199547), and loss-of-function variants in PIGN are known to be pathogenic (PMID: 24253414, 27038415).

Literature cited by the submitters: PubMed 16199547; PubMed 24253414; PubMed 27038415.

NM_176787.5(PIGN):c.2427-1G>T

Gene: PIGN (phosphatidylinositol glycan anchor biosynthesis class N; minus strand). Cytogenetic location: 18q21.33.
Variant type: single nucleotide variant.
Coding change: c.2427-1G>T on transcript NM_176787.5 (MANE Select); the canonical splice acceptor site of the intron before coding-DNA position 2427, G replaced by T.
Molecular consequence: splice acceptor variant.
Genome position (GRCh38, 1-based): chr18:62,084,607, C>A on the plus strand (G>T on the coding strand, the complement: PIGN is on the minus strand). VCF-style: chr18-62084607-C-A. GRCh37 (hg19) VCF-style: chr18-59751840-C-A.
Other names: c.2427-1G>T (NM_012327.6).
Identifiers: ClinVar variation 2762382 (VCV002762382.3), dbSNP rs2512423093, ClinGen allele CA402601426.